The following is an entry in ClinVar:

ClinVar aggregate classification (germline): Uncertain significance (1 of 4 stars; one submission).

Conditions:
Loeys-Dietz syndrome 2 (LDS2). Also called: TGFBR2-Related Loeys-Dietz Syndrome; AORTIC ANEURYSM, FAMILIAL THORACIC 3; MARFAN SYNDROME, TYPE II; Marfan syndrome, type 2 (formerly); Marfan Syndrome type 2; Marfan like connective tissue disorder. Identifiers: Orphanet 284973, Orphanet 558, MedGen C2674574, MONDO:0012427, OMIM 610168.

Submission:

Labcorp Genetics (formerly Invitae), Labcorp
Classification: Uncertain significance for Loeys-Dietz syndrome 2. Last evaluated: 2025-06-20. Review status: criteria provided, single submitter. Criteria: Invitae Variant Classification Sherloc (09022015). Collection method: clinical testing. Allele origin: germline.
Comment: This sequence change replaces glutamine, which is neutral and polar, with lysine, which is basic and polar, at codon 32 of the TMPO protein (p.Gln32Lys). This variant is present in population databases (rs745735161, gnomAD 0.006%). This variant has not been reported in the literature in individuals affected with TMPO-related conditions. An algorithm developed to predict the effect of missense changes on protein structure and function (PolyPhen-2) suggests that this variant is likely to be disruptive. In summary, the available evidence is currently insufficient to determine the role of this variant in disease. Therefore, it has been classified as a Variant of Uncertain Significance.

NM_001032283.3(TMPO):c.94C>A (p.Gln32Lys)

Genes: TMPO (thymopoietin; plus strand), TMPO-AS1 (TMPO antisense RNA 1; minus strand). Cytogenetic location: 12q23.1.
Variant type: single nucleotide variant.
Coding change: c.94C>A on transcript NM_001032283.3 (MANE Select); coding-DNA position 94, C replaced by A.
Protein change: p.Gln32Lys; replaces glutamine 32 with lysine.
Molecular consequence: missense variant.
Genome position (GRCh38, 1-based): chr12:98,515,961, C>A. VCF-style: chr12-98515961-C-A. GRCh37 (hg19) VCF-style: chr12-98909739-C-A.
Other names: c.94C>A, p.Gln32Lys (NM_001032284.3, NM_001307975.2, NM_003276.2); short protein forms Q32K.
Identifiers: ClinVar variation 4764068 (VCV004764068.1).